The following is an entry in ClinVar:

NM_002485.5(NBN):c.1154_1155del (p.Lys385fs)

Gene: NBN (nibrin; minus strand). Cytogenetic location: 8q21.3.
Variant type: Deletion.
Coding change: c.1154_1155del on transcript NM_002485.5 (MANE Select); coding-DNA positions 1154 to 1155, 2 bases deleted (AA; older notation c.1154_1155delAA).
Protein change: p.Lys385fs; shifts the reading frame from lysine 385.
Molecular consequence: frameshift variant.
Genome position (GRCh38, 1-based): chr8:89,955,525-89,955,526, TT deleted on the plus strand (AA on the coding strand, the reverse complement: NBN is on the minus strand); deleting any 2 consecutive bases within chr8:89,955,525-89,955,527 gives the same sequence; the c. name uses the placement nearest the transcript's 3' end. VCF-style (leftmost placement, unchanged base first): chr8-89955524-CTT-C. GRCh37 (hg19) VCF-style: chr8-90967752-CTT-C.
Other names: c.1154_1155delAA (NM_002485.4); c.908_909del, p.Lys303fs (NM_001024688.3); short protein forms K385fs, K303fs.
Identifiers: ClinVar variation 530740 (VCV000530740.14), dbSNP rs748513310, ClinGen allele CA4802786.

ClinVar aggregate classification (germline): Pathogenic. Review status: criteria provided, multiple submitters, no conflicts (2 of 4 stars). 5 submissions from 5 submitters: Pathogenic (4). 1 of the submissions does not count toward it. Last evaluated 2024-04-01.

Conditions:
Hereditary cancer-predisposing syndrome. Also called: Neoplastic Syndromes, Hereditary; Hereditary neoplastic syndrome; Tumor predisposition; Hereditary Cancer Syndrome. Identifiers: Orphanet 140162, MedGen C0027672, MeSH D009386, MONDO:0015356.
Aplastic anemia. Identifiers: Orphanet 182040, Orphanet 88, MedGen C0002874, MONDO:0015909, OMIM 609135, HP:0001915.
Microcephaly, normal intelligence and immunodeficiency (NBS). Also called: Immunodeficiency, microcephaly with normal intelligence; Ataxia telangiectasia variant V1; IMMUNODEFICIENCY, MICROCEPHALY, AND CHROMOSOMAL INSTABILITY; BERLIN BREAKAGE SYNDROME; SEEMANOVA SYNDROME II; Nijmegen breakage syndrome. Identifiers: Orphanet 647, MedGen C0398791, MONDO:0009623, OMIM 251260.
Breast carcinoma. Also called: Carcinoma of breast. Identifiers: MedGen C0678222, MONDO:0004989, HP:0003002.

Submissions (5):

Labcorp Genetics (formerly Invitae), Labcorp
Classification: Pathogenic for Microcephaly, normal intelligence and immunodeficiency. Last evaluated: 2024-04-01. Review status: criteria provided, single submitter. Criteria: Invitae Variant Classification Sherloc (09022015). Collection method: clinical testing. Allele origin: germline.
Comment: This sequence change creates a premature translational stop signal (p.Lys385Serfs*27) in the NBN gene. It is expected to result in an absent or disrupted protein product. Loss-of-function variants in NBN are known to be pathogenic (PMID: 9590180, 16415040). This variant is present in population databases (rs748513310, gnomAD 0.007%). This variant has not been reported in the literature in individuals affected with NBN-related conditions. ClinVar contains an entry for this variant (Variation ID: 530740). For these reasons, this variant has been classified as Pathogenic.

Baylor Genetics
Classification: Pathogenic for Aplastic anemia. Last evaluated: 2023-03-04. Review status: criteria provided, single submitter. Criteria: ACMG Guidelines, 2015. Collection method: clinical testing. Allele origin: unknown.

Ambry Genetics
Classification: Pathogenic for Hereditary cancer-predisposing syndrome. Last evaluated: 2021-06-14. Review status: criteria provided, single submitter. Criteria: Ambry Variant Classification Scheme 2023. Collection method: clinical testing. Allele origin: germline.
Comment: The c.1154_1155delAA pathogenic mutation, located in coding exon 10 of the NBN gene, results from a deletion of two nucleotides at nucleotide positions 1154 to 1155, causing a translational frameshift with a predicted alternate stop codon (p.K385Sfs*27). This alteration is expected to result in loss of function by premature protein truncation or nonsense-mediated mRNA decay. As such, this alteration is interpreted as a disease-causing mutation.

Revvity Omics, Revvity
Classification: Pathogenic. Last evaluated: 2019-05-15. Review status: criteria provided, single submitter. Criteria: ACMG Guidelines, 2015. Collection method: clinical testing. Allele origin: germline.

Medical Genetics Laboratory, Umraniye Training and Research Hospital, University of Health Sciences
Classification: Likely pathogenic for Breast carcinoma. Last evaluated: 2021-08-09. Review status: no assertion criteria provided. Collection method: clinical testing. Allele origin: germline. Inheritance: Autosomal dominant inheritance. Affected: yes. Observed: 1 variant allele, 1 heterozygote. Not counted in ClinVar's aggregate classification.

Literature cited by the submitters: PubMed 9590180 (cited by Labcorp Genetics (formerly Invitae), Labcorp); PubMed 16415040 (cited by Labcorp Genetics (formerly Invitae), Labcorp).